The following is an entry in ClinVar:

ClinVar aggregate classification (germline): Uncertain significance (1 of 4 stars; one submission).

Submission:

Labcorp Genetics (formerly Invitae), Labcorp
Classification: Uncertain significance. Last evaluated: 2023-11-19. Review status: criteria provided, single submitter. Criteria: Invitae Variant Classification Sherloc (09022015). Collection method: clinical testing. Allele origin: germline.
Comment: This sequence change replaces alanine, which is neutral and non-polar, with glutamic acid, which is acidic and polar, at codon 388 of the CDT1 protein (p.Ala388Glu). This variant is not present in population databases (gnomAD no frequency). This variant has not been reported in the literature in individuals affected with CDT1-related conditions. Algorithms developed to predict the effect of missense changes on protein structure and function output the following: SIFT: "Not Available"; PolyPhen-2: "Benign"; Align-GVGD: "Not Available". The glutamic acid amino acid residue is found in multiple mammalian species, which suggests that this missense change does not adversely affect protein function. In summary, the available evidence is currently insufficient to determine the role of this variant in disease. Therefore, it has been classified as a Variant of Uncertain Significance.

NM_030928.4(CDT1):c.1163C>A (p.Ala388Glu)

Gene: CDT1 (chromatin licensing and DNA replication factor 1; plus strand). Cytogenetic location: 16q24.3.
Variant type: single nucleotide variant.
Coding change: c.1163C>A on transcript NM_030928.4 (MANE Select); coding-DNA position 1163, C replaced by A.
Protein change: p.Ala388Glu; replaces alanine 388 with glutamic acid.
Molecular consequence: missense variant.
Genome position (GRCh38, 1-based): chr16:88,807,091, C>A. VCF-style: chr16-88807091-C-A. GRCh37 (hg19) VCF-style: chr16-88873499-C-A.
Other names: short protein forms A388E.
Identifiers: ClinVar variation 2693326 (VCV002693326.3), dbSNP rs773673217, ClinGen allele CA397081269.